The following is an entry in ClinVar:

ClinVar aggregate classification (germline): Uncertain significance (1 of 4 stars; one submission).

Conditions:
Neuroblastoma, susceptibility to, 3. Also called: ALK-Related Neuroblastic Tumor Susceptibility. Identifiers: Orphanet 635, MedGen C2751681, MONDO:0013083, OMIM 613014.

Submission:

Labcorp Genetics (formerly Invitae), Labcorp
Classification: Uncertain significance for Neuroblastoma, susceptibility to, 3. Last evaluated: 2025-07-30. Review status: criteria provided, single submitter. Criteria: Invitae Variant Classification Sherloc (09022015). Collection method: clinical testing. Allele origin: germline.
Comment: This sequence change replaces valine, which is neutral and non-polar, with leucine, which is neutral and non-polar, at codon 19 of the ALK protein (p.Val19Leu). This variant is not present in population databases (gnomAD no frequency). This variant has not been reported in the literature in individuals affected with ALK-related conditions. ClinVar contains an entry for this variant (Variation ID: 1483276). An algorithm developed to predict the effect of missense changes on protein structure and function outputs the following: PolyPhen-2: "Benign". The leucine amino acid residue is found in multiple mammalian species, which suggests that this missense change does not adversely affect protein function. In summary, the available evidence is currently insufficient to determine the role of this variant in disease. Therefore, it has been classified as a Variant of Uncertain Significance.

NM_004304.5(ALK):c.55G>C (p.Val19Leu)

Gene: ALK (ALK receptor tyrosine kinase; minus strand). Cytogenetic location: 2p23.1.
Variant type: single nucleotide variant.
Coding change: c.55G>C on transcript NM_004304.5 (MANE Select); coding-DNA position 55, G replaced by C.
Protein change: p.Val19Leu; replaces valine 19 with leucine.
Molecular consequence: missense variant.
Genome position (GRCh38, 1-based): chr2:29,920,605, C>G on the plus strand (G>C on the coding strand, the complement: ALK is on the minus strand). VCF-style: chr2-29920605-C-G. GRCh37 (hg19) VCF-style: chr2-30143471-C-G.
Other names: short protein forms V19L.
Identifiers: ClinVar variation 1483276 (VCV001483276.6), dbSNP rs1057384991, ClinGen allele CA346590778.